The following is an entry in ClinVar:

ClinVar aggregate classification (germline): Uncertain significance. Review status: criteria provided, multiple submitters, no conflicts (2 of 4 stars). 2 submissions from 2 submitters: Uncertain significance (2). Last evaluated 2024-11-14.

Conditions:
Inborn genetic diseases. Identifiers: MedGen C0950123, MeSH D030342.

Allele frequency attached by ClinVar (database versions not stated): TOPMed below 0.00001; gnomAD 0.00001.
gnomAD v4.1: 18 of 1,605,388 alleles (0.0011%); highest among the groups gnomAD compares: Admixed American, 0.0067%; no homozygotes.

Submissions (2):

Ambry Genetics
Classification: Uncertain significance for Inborn genetic diseases. Last evaluated: 2024-11-14. Review status: criteria provided, single submitter. Criteria: Ambry Variant Classification Scheme 2023. Collection method: clinical testing. Allele origin: germline.

Labcorp Genetics (formerly Invitae), Labcorp
Classification: Uncertain significance. Last evaluated: 2024-10-29. Review status: criteria provided, single submitter. Criteria: Invitae Variant Classification Sherloc (09022015). Collection method: clinical testing. Allele origin: germline.
Comment: This sequence change replaces proline, which is neutral and non-polar, with arginine, which is basic and polar, at codon 88 of the NKX3-2 protein (p.Pro88Arg). This variant is present in population databases (rs767746306, gnomAD 0.009%). This variant has not been reported in the literature in individuals affected with NKX3-2-related conditions. ClinVar contains an entry for this variant (Variation ID: 1483789). Invitae Evidence Modeling of protein sequence and biophysical properties (such as structural, functional, and spatial information, amino acid conservation, physicochemical variation, residue mobility, and thermodynamic stability) indicates that this missense variant is not expected to disrupt NKX3-2 protein function with a negative predictive value of 80%. In summary, the available evidence is currently insufficient to determine the role of this variant in disease. Therefore, it has been classified as a Variant of Uncertain Significance.

NM_001189.4(NKX3-2):c.263C>G (p.Pro88Arg)

Gene: NKX3-2 (NK3 homeobox 2; minus strand). Cytogenetic location: 4p15.33.
Variant type: single nucleotide variant.
Coding change: c.263C>G on transcript NM_001189.4 (MANE Select); coding-DNA position 263, C replaced by G.
Protein change: p.Pro88Arg; replaces proline 88 with arginine.
Molecular consequence: missense variant.
Genome position (GRCh38, 1-based): chr4:13,544,152, G>C on the plus strand (C>G on the coding strand, the complement: NKX3-2 is on the minus strand). VCF-style: chr4-13544152-G-C. GRCh37 (hg19) VCF-style: chr4-13545776-G-C.
Other names: c.263C>G (NM_001189.3); short protein forms P88R.
Identifiers: ClinVar variation 1483789 (VCV001483789.7), dbSNP rs767746306, ClinGen allele CA2860445.